The following is an entry in ClinVar:

NM_001005361.3(DNM2):c.208A>G (p.Ile70Val)

Gene: DNM2 (dynamin 2; plus strand). Cytogenetic location: 19p13.2.
Variant type: single nucleotide variant.
Coding change: c.208A>G on transcript NM_001005361.3 (MANE Select); coding-DNA position 208, A replaced by G.
Protein change: p.Ile70Val; replaces isoleucine 70 with valine.
Molecular consequence: missense variant.
Genome position (GRCh38, 1-based): chr19:10,759,784, A>G. VCF-style: chr19-10759784-A-G. GRCh37 (hg19) VCF-style: chr19-10870460-A-G.
Other names: c.208A>G, p.Ile70Val (NM_001005360.3, NM_001005362.3, NM_001190716.2 and 1 more transcripts); short protein forms I70V.
Identifiers: ClinVar variation 2814976 (VCV002814976.3), dbSNP rs755642825, ClinGen allele CA9200728.

ClinVar aggregate classification (germline): Uncertain significance (1 of 4 stars; one submission).

Conditions:
Charcot-Marie-Tooth disease dominant intermediate B (CMTDIB). Also called: CHARCOT-MARIE-TOOTH NEUROPATHY, DOMINANT INTERMEDIATE B; Charcot-Marie-Tooth disease dominant intermediate 1; CMT DI1; Charcot-Marie-Tooth disease dominant intermediate I. Identifiers: Orphanet 100044, Orphanet 228179, MedGen C1847902, MONDO:0011674, OMIM 606482.

Allele frequency attached by ClinVar (database versions not stated): gnomAD exomes below 0.00001; ExAC 0.00001.
gnomAD v4.1: 5 of 1,613,978 alleles (0.00031%); highest among the groups gnomAD compares: South Asian, 0.0055%; no homozygotes.

Submission:

Labcorp Genetics (formerly Invitae), Labcorp
Classification: Uncertain significance for Charcot-Marie-Tooth disease dominant intermediate B. Last evaluated: 2022-12-05. Review status: criteria provided, single submitter. Criteria: Invitae Variant Classification Sherloc (09022015). Collection method: clinical testing. Allele origin: germline.
Comment: In summary, the available evidence is currently insufficient to determine the role of this variant in disease. Therefore, it has been classified as a Variant of Uncertain Significance. Algorithms developed to predict the effect of missense changes on protein structure and function output the following: SIFT: "Tolerated"; PolyPhen-2: "Benign"; Align-GVGD: "Class C0". The valine amino acid residue is found in multiple mammalian species, which suggests that this missense change does not adversely affect protein function. This variant has not been reported in the literature in individuals affected with DNM2-related conditions. This variant is present in population databases (rs755642825, gnomAD 0.003%). This sequence change replaces isoleucine, which is neutral and non-polar, with valine, which is neutral and non-polar, at codon 70 of the DNM2 protein (p.Ile70Val).